The following is an entry in ClinVar:

ClinVar aggregate classification (germline): Pathogenic (1 of 4 stars; one submission).

Submission:

GeneDx
Classification: Pathogenic. Last evaluated: 2024-08-28. Review status: criteria provided, single submitter. Criteria: GeneDx Variant Classification Process June 2021. Collection method: clinical testing. Allele origin: germline. Affected: yes.
Comment: Frameshift variant predicted to result in protein truncation or nonsense mediated decay in a gene for which loss of function is a known mechanism of disease; Not observed at significant frequency in large population cohorts (gnomAD); Has not been previously published as pathogenic or benign to our knowledge

NM_001127222.2(CACNA1A):c.6409_6412del (p.Asp2137fs)

Gene: CACNA1A (calcium voltage-gated channel subunit alpha1 A; minus strand). Cytogenetic location: 19p13.13.
Variant type: Deletion.
Coding change: c.6409_6412del on transcript NM_001127222.2 (MANE Select); coding-DNA positions 6409 to 6412, 4 bases deleted (GATT; older notation c.6409_6412delGATT).
Protein change: p.Asp2137fs; shifts the reading frame from aspartic acid 2137.
Molecular consequence: frameshift variant.
Genome position (GRCh38, 1-based): chr19:13,209,426-13,209,429, AATC deleted on the plus strand (GATT on the coding strand, the reverse complement: CACNA1A is on the minus strand). VCF-style (leftmost placement, unchanged base first): chr19-13209425-TAATC-T. GRCh37 (hg19) VCF-style: chr19-13320239-TAATC-T.
Other names: c.6427_6430del, p.Asp2143fs (NM_000068.4, NM_023035.3); c.6412_6415delGATT, p.Asp2138Thrfs (NM_001127221.1); c.6412_6415del, p.Asp2138fs (NM_001127221.2); c.6418_6421del, p.Asp2140fs (NM_001174080.2); short protein forms D2137fs, D2138fs, D2140fs, D2143fs.
Identifiers: ClinVar variation 3766201 (VCV003766201.1).